The following is an entry in ClinVar:

ClinVar aggregate classification (germline): Uncertain significance. Review status: criteria provided, multiple submitters, no conflicts (2 of 4 stars). 4 submissions from 3 submitters: Uncertain significance (4). Last evaluated 2024-04-09.

Conditions:
Usher syndrome type 1D (USH1D). Also called: USHER SYNDROME, TYPE ID. Identifiers: Orphanet 231169, Orphanet 886, MedGen C1832845, MONDO:0010984, OMIM 601067.
Autosomal recessive nonsyndromic hearing loss 12. Also called: DEAFNESS, AUTOSOMAL RECESSIVE 12. Identifiers: Orphanet 90636, MedGen C1832394, MONDO:0011067, OMIM 601386.

Allele frequency attached by ClinVar (database versions not stated): TOPMed 0.00001; gnomAD 0.00002; gnomAD exomes 0.00002; 1000 Genomes Project 30x 0.00016; 1000 Genomes Project 0.00020.
gnomAD v4.1: 44 of 1,613,078 alleles (0.0027%); highest among the groups gnomAD compares: East Asian, 0.085%; no homozygotes.

Submissions (4):

GeneDx
Classification: Uncertain significance. Last evaluated: 2024-04-09. Review status: criteria provided, single submitter. Criteria: GeneDx Variant Classification Process June 2021. Collection method: clinical testing. Allele origin: germline. Affected: yes.
Comment: Observed with a variant on the opposite allele (in trans) in a patient with sensorineural hearing loss in published literature (PMID: 30123251); In silico analysis supports that this missense variant has a deleterious effect on protein structure/function; This variant is associated with the following publications: (PMID: 23967202, 28265457, 30123251)

Labcorp Genetics (formerly Invitae), Labcorp
Classification: Uncertain significance. Last evaluated: 2022-03-28. Review status: criteria provided, single submitter. Criteria: Invitae Variant Classification Sherloc (09022015). Collection method: clinical testing. Allele origin: germline.
Comment: This sequence change replaces glycine, which is neutral and non-polar, with aspartic acid, which is acidic and polar, at codon 1449 of the CDH23 protein (p.Gly1449Asp). This variant is present in population databases (rs544278944, gnomAD 0.02%). This missense change has been observed in individual(s) with deafness (PMID: 30123251). ClinVar contains an entry for this variant (Variation ID: 300432). Algorithms developed to predict the effect of missense changes on protein structure and function are either unavailable or do not agree on the potential impact of this missense change (SIFT: "Deleterious"; PolyPhen-2: "Not Available"; Align-GVGD: "Class C65"). In summary, the available evidence is currently insufficient to determine the role of this variant in disease. Therefore, it has been classified as a Variant of Uncertain Significance.

Illumina Laboratory Services, Illumina
Classification: Uncertain significance for Autosomal recessive nonsyndromic hearing loss 12. Last evaluated: 2018-01-12. Review status: criteria provided, single submitter. Criteria: ICSL Variant Classification Criteria 13 December 2019. Collection method: clinical testing. Allele origin: germline.

Illumina Laboratory Services, Illumina
Classification: Uncertain significance for Usher syndrome type 1D. Last evaluated: 2018-01-12. Review status: criteria provided, single submitter. Criteria: ICSL Variant Classification Criteria 13 December 2019. Collection method: clinical testing. Allele origin: germline.

Literature cited by the submitters: PubMed 30123251 (cited by Labcorp Genetics (formerly Invitae), Labcorp).

NM_022124.6(CDH23):c.4346G>A (p.Gly1449Asp)

Gene: CDH23 (cadherin related 23; plus strand). Cytogenetic location: 10q22.1.
Variant type: single nucleotide variant.
Coding change: c.4346G>A on transcript NM_022124.6 (MANE Select); coding-DNA position 4346, G replaced by A.
Protein change: p.Gly1449Asp; replaces glycine 1449 with aspartic acid.
Molecular consequence: missense variant.
Genome position (GRCh38, 1-based): chr10:71,738,634, G>A. VCF-style: chr10-71738634-G-A. GRCh37 (hg19) VCF-style: chr10-73498391-G-A.
Other names: short protein forms G1449D.
Identifiers: ClinVar variation 300432 (VCV000300432.8), dbSNP rs544278944, ClinGen allele CA5545013.